The following is an entry in ClinVar:

ClinVar aggregate classification (germline): Uncertain significance. Review status: criteria provided, multiple submitters, no conflicts (2 of 4 stars). 4 submissions from 4 submitters: Uncertain significance (4). Last evaluated 2025-03-06.

Conditions:
Cardiovascular phenotype. Identifiers: MedGen CN230736.
Long QT syndrome (LQTS). Identifiers: MedGen C0023976, MeSH D008133, MONDO:0002442. Disease mechanism: loss of function. Inheritance: Various modes of inheritance.

Allele frequency attached by ClinVar (database versions not stated): ExAC 0.00001; gnomAD exomes 0.00001; TOPMed 0.00001; gnomAD 0.00004.
gnomAD v4.1: 26 of 1,614,038 alleles (0.0016%); highest among the groups gnomAD compares: African/African-American, 0.0027%; no homozygotes.

Submissions (4):

Women's Health and Genetics/Laboratory Corporation of America, LabCorp
Classification: Uncertain significance. Last evaluated: 2025-03-06. Review status: criteria provided, single submitter. Criteria: LabCorp Variant Classification Summary - May 2015. Collection method: clinical testing. Allele origin: germline.
Comment: Variant summary: KCNJ5 c.554G>T (p.Cys185Phe) results in a non-conservative amino acid change located in the Inward rectifier potassium channel transmembrane domain (IPR040445) of the encoded protein sequence. Five of five in-silico tools predict a damaging effect of the variant on protein function. The variant allele was found at a frequency of 8e-06 in 251468 control chromosomes. The available data on variant occurrences in the general population are insufficient to allow any conclusion about variant significance. c.554G>T has been reported in the literature in one individuals affected with Hyperplastic polyposis, without strong evidence for causality (Henn_2019). These report(s) do not provide unequivocal conclusions about association of the variant with Familial hyperaldosteronism type III. To our knowledge, no experimental evidence demonstrating an impact on protein function has been reported. The following publication has been ascertained in the context of this evaluation (PMID: 30680046). ClinVar contains an entry for this variant (Variation ID: 572313). Based on the evidence outlined above, the variant was classified as uncertain significance.

Ambry Genetics
Classification: Uncertain significance for Cardiovascular phenotype. Last evaluated: 2022-05-02. Review status: criteria provided, single submitter. Criteria: Ambry Variant Classification Scheme 2023. Collection method: clinical testing. Allele origin: germline.
Comment: The p.C185F variant (also known as c.554G>T), located in coding exon 1 of the KCNJ5 gene, results from a G to T substitution at nucleotide position 554. The cysteine at codon 185 is replaced by phenylalanine, an amino acid with highly dissimilar properties. This amino acid position is highly conserved in available vertebrate species. In addition, this alteration is predicted to be deleterious by in silico analysis. Since supporting evidence is limited at this time, the clinical significance of this alteration remains unclear.

Labcorp Genetics (formerly Invitae), Labcorp
Classification: Uncertain significance for Long QT syndrome. Last evaluated: 2020-11-15. Review status: criteria provided, single submitter. Criteria: Invitae Variant Classification Sherloc (09022015). Collection method: clinical testing. Allele origin: germline.
Comment: In summary, the available evidence is currently insufficient to determine the role of this variant in disease. Therefore, it has been classified as a Variant of Uncertain Significance. Algorithms developed to predict the effect of missense changes on protein structure and function do not agree on the potential impact of this missense change (SIFT: "Tolerated"; PolyPhen-2: "Probably Damaging"; Align-GVGD: "Class C0"). This variant has not been reported in the literature in individuals with KCNJ5-related disease. This variant is present in population databases (rs760375676, ExAC 0.001%). This sequence change replaces cysteine with phenylalanine at codon 185 of the KCNJ5 protein (p.Cys185Phe). The cysteine residue is highly conserved and there is a large physicochemical difference between cysteine and phenylalanine.

GeneDx
Classification: Uncertain significance. Last evaluated: 2018-12-10. Review status: criteria provided, single submitter. Criteria: GeneDx Variant Classification Process June 2021. Collection method: clinical testing. Allele origin: germline. Affected: yes.
Comment: Not observed at a significant frequency in large population cohorts (Lek et al., 2016); In silico analysis, which includes protein predictors and evolutionary conservation, supports a deleterious effect; Has not been previously published as pathogenic or benign to our knowledge; Reported as a variant of uncertain significance in ClinVar but additional evidence is not available (ref; ClinVar SCV000821545.1; Landrum et al., 2016)

Literature cited by the submitters: PubMed 30680046 (cited by Women's Health and Genetics/Laboratory Corporation of America, LabCorp).

NM_000890.5(KCNJ5):c.554G>T (p.Cys185Phe)

Gene: KCNJ5 (potassium inwardly rectifying channel subfamily J member 5; plus strand). Cytogenetic location: 11q24.3.
Variant type: single nucleotide variant.
Coding change: c.554G>T on transcript NM_000890.5 (MANE Select); coding-DNA position 554, G replaced by T.
Protein change: p.Cys185Phe; replaces cysteine 185 with phenylalanine.
Molecular consequence: missense variant.
Genome position (GRCh38, 1-based): chr11:128,911,827, G>T. VCF-style: chr11-128911827-G-T. GRCh37 (hg19) VCF-style: chr11-128781722-G-T.
Other names: c.554G>T (LRG_333t1); c.554G>T, p.Cys185Phe (NM_001354169.2); short protein forms C185F.
Identifiers: ClinVar variation 572313 (VCV000572313.13), dbSNP rs760375676, ClinGen allele CA6357897.